The following is an entry in ClinVar:

ClinVar aggregate classification (germline): Likely pathogenic (1 of 4 stars; one submission).

Submission:

ARUP Laboratories, Molecular Genetics and Genomics, ARUP Laboratories
Classification: Likely pathogenic. Last evaluated: 2024-03-22. Review status: criteria provided, single submitter. Criteria: ARUP Molecular Germline Variant Investigation Process 2024. Collection method: clinical testing. Allele origin: germline.
Comment: The TBX4 c.932C>G; p.Ser311Ter variant, to our knowledge, is not reported in the medical literature or gene specific databases. However, a different nucleotide change leading to the same amino acid alteration (c.932C>A; p.Ser311Ter) is reported in the literature in an individual with autosomal dominant small patella syndrome (Vanlerberghe 2017). This variant is absent from the Genome Aggregation Database (v2.1.1), indicating it is not a common polymorphism. This variant induces an early termination codon and is predicted to result in a truncated protein or mRNA subject to nonsense-mediated decay. Based on available information, this variant is considered to be likely pathogenic. References: Vanlerberghe C et al. Small patella syndrome: New clinical and molecular insights into a consistent phenotype. Clin Genet. 2017 Dec;92(6):676-678. PMID: 29120062.

NM_001321120.2(TBX4):c.932C>G (p.Ser311Ter)

Gene: TBX4 (T-box transcription factor 4; plus strand). Cytogenetic location: 17q23.2.
Variant type: single nucleotide variant.
Coding change: c.932C>G on transcript NM_001321120.2 (MANE Select); coding-DNA position 932, C replaced by G.
Protein change: p.Ser311Ter; replaces serine 311 with a stop codon.
Molecular consequence: nonsense.
Genome position (GRCh38, 1-based): chr17:61,480,230, C>G. VCF-style: chr17-61480230-C-G. GRCh37 (hg19) VCF-style: chr17-59557591-C-G.
Other names: c.932C>G, p.Ser311Ter (NM_018488.3); short protein forms S311*.
Identifiers: ClinVar variation 3766529 (VCV003766529.1).
Genomic context (GRCh38, chr17:61,480,230, plus strand): 5'-GCCCCCTGCTCGGCACCCACCAGGCACTCCAGCACTACCAGCACGAGAACGGGGCACACT[C>G]ACAGCTCGCGGAGCCGCAGGACCTGCCCCTCAGCACCTTTCCCACCCAGAGGGACTCAAG-3'